The following is an entry in ClinVar:

NM_000219.6(KCNE1):c.111C>A (p.Ser37Arg)

Gene: KCNE1 (potassium voltage-gated channel subfamily E regulatory subunit 1; minus strand). Cytogenetic location: 21q22.12.
Variant type: single nucleotide variant.
Coding change: c.111C>A on transcript NM_000219.6 (MANE Select); coding-DNA position 111, C replaced by A.
Protein change: p.Ser37Arg; replaces serine 37 with arginine.
Molecular consequence: missense variant.
Genome position (GRCh38, 1-based): chr21:34,449,524, G>T on the plus strand (C>A on the coding strand, the complement: KCNE1 is on the minus strand). VCF-style: chr21-34449524-G-T. GRCh37 (hg19) VCF-style: chr21-35821822-G-T.
Other names: c.111C>A, p.Ser37Arg (NM_001127668.4, NM_001127669.4, NM_001127670.4 and 4 more transcripts); short protein forms S37R.
Identifiers: ClinVar variation 3374075 (VCV003374075.3).

ClinVar aggregate classification (germline): Uncertain significance (1 of 4 stars; one submission).

Submissions (2):

GeneDx
Classification: Uncertain significance. Last evaluated: 2024-11-06. Review status: criteria provided, single submitter. Criteria: GeneDx Variant Classification Process June 2021. Collection method: clinical testing. Allele origin: germline. Affected: yes.
Comment: Not observed at significant frequency in large population cohorts (gnomAD); In silico analysis indicates that this missense variant does not alter protein structure/function; Has not been previously published as pathogenic or benign to our knowledge

Roden Lab, Vanderbilt University Medical Center
No classification provided (evidence only). Condition: Long QT syndrome 5. Review status: no classification provided. Collection method: in vitro. Allele origin: not applicable. Functional consequence: Effect on ion channel function. Not counted in ClinVar's aggregate classification.
ClinVar note: "not provided" was previously submitted as the classification for the variant. However, the classification appeared to be based only on an observation of functional data so it was converted to no classification on 2025-07-30.